The following is an entry in ClinVar:

ClinVar aggregate classification (germline): Uncertain significance (1 of 4 stars; one submission).

Submission:

GeneDx
Classification: Uncertain significance. Last evaluated: 2024-02-28. Review status: criteria provided, single submitter. Criteria: GeneDx Variant Classification Process June 2021. Collection method: clinical testing. Allele origin: germline. Affected: yes.
Comment: Not observed at significant frequency in large population cohorts (gnomAD); In silico analysis supports that this missense variant does not alter protein structure/function; Has not been previously published as pathogenic or benign to our knowledge

NM_001282531.3(ADNP):c.1402G>C (p.Glu468Gln)

Gene: ADNP (activity dependent neuroprotector homeobox; minus strand). Cytogenetic location: 20q13.13.
Variant type: single nucleotide variant.
Coding change: c.1402G>C on transcript NM_001282531.3 (MANE Select); coding-DNA position 1402, G replaced by C.
Protein change: p.Glu468Gln; replaces glutamic acid 468 with glutamine.
Molecular consequence: missense variant.
Genome position (GRCh38, 1-based): chr20:50,893,312, C>G on the plus strand (G>C on the coding strand, the complement: ADNP is on the minus strand). VCF-style: chr20-50893312-C-G. GRCh37 (hg19) VCF-style: chr20-49509849-C-G.
Other names: c.1402G>C, p.Glu468Gln (NM_001282532.2, NM_001347511.2, NM_015339.5 and 1 more transcripts); short protein forms E468Q.
Identifiers: ClinVar variation 3373421 (VCV003373421.1).
Genomic context (GRCh38, chr20:50,893,312, plus strand): 5'-TAAAATTGTGTATTTTCATAATGTAGTTGGCTACTGCTGGGACTTTCTCAGCTTTATGTT[C>G]TTTTTCGAAGTGCACACTATAGACATTTTCAGGAAAAAGCTCATTACAGATTGTACATAT-3'
Protein context (NP_001269460.1, residues 458-478): ENVYSVHFEK[Glu468Gln]HKAEKVPAVA